The following is an entry in ClinVar:

NM_000059.4(BRCA2):c.1679A>G (p.Asn560Ser)

Gene: BRCA2 (BRCA2 DNA repair associated; plus strand). Cytogenetic location: 13q13.1.
Variant type: single nucleotide variant.
Coding change: c.1679A>G on transcript NM_000059.4 (MANE Select); coding-DNA position 1679, A replaced by G.
Protein change: p.Asn560Ser; replaces asparagine 560 with serine.
Molecular consequence: missense variant. On other transcripts: non-coding transcript variant (1), intron variant (1).
Genome position (GRCh38, 1-based): chr13:32,333,157, A>G. VCF-style: chr13-32333157-A-G. GRCh37 (hg19) VCF-style: chr13-32907294-A-G.
Other names: c.1679A>G, p.Asn560Ser (NM_001406721.1, NM_001406719.1, NM_001406720.1); c.424+2127A>G (NM_001406722.1); short protein forms N560S.
Identifiers: ClinVar variation 2565981 (VCV002565981.8), dbSNP rs2137473834, ClinGen allele CA387765135.

ClinVar aggregate classification (germline): Conflicting classifications of pathogenicity. Review status: criteria provided, conflicting classifications (1 of 4 stars). 4 submissions from 4 submitters: Uncertain significance (3); Likely benign (1). Last evaluated 2025-12-10.

Conditions:
Hereditary cancer-predisposing syndrome. Also called: Neoplastic Syndromes, Hereditary; Tumor predisposition; Hereditary Cancer Syndrome; Hereditary neoplastic syndrome. Identifiers: Orphanet 140162, MedGen C0027672, MeSH D009386, MONDO:0015356.
Hereditary breast ovarian cancer syndrome. Also called: Breast and ovarian cancer; Hereditary breast and/or ovarian cancer syndrome; Hereditary breast and ovarian cancer; Hereditary breast and ovarian cancer syndrome; BRCA1- and BRCA2-Associated Hereditary Breast and Ovarian Cancer; Hereditary breast and ovarian cancer syndrome (HBOC). Identifiers: Orphanet 145, MedGen C0677776, MeSH D061325, MONDO:0003582. Disease mechanism: loss of function.
Familial cancer of breast. Also called: BREAST CANCER, FAMILIAL; Hereditary breast cancer; hereditary breast carcinoma. Identifiers: Orphanet 227535, MedGen C0346153, MONDO:0016419, OMIM 114480. Disease mechanism: loss of function.

Allele frequency attached by ClinVar (database versions not stated): gnomAD exomes below 0.00001.
gnomAD v4.1: 2 of 1,614,142 alleles (0.00012%); highest among the groups gnomAD compares: Non-Finnish European, 0.00017%; no homozygotes.

Submissions (4):

Department of Clinical Genetics, Copenhagen University Hospital, Rigshospitalet
Classification: Likely benign for Familial cancer of breast. Last evaluated: 2025-12-10. Review status: criteria provided, single submitter. Criteria: ACMG Guidelines, 2015. Collection method: clinical testing. Allele origin: germline.
Comment: The following ACMG criteria has been used: PM2_SUP (not reported in non-founder populations in gnomAD v.2.1 (non-cancer) or v.3.1 (non-cancer)); BP1_strong (SpliceAI ≤0.1)

Center for Genomic Medicine, Rigshospitalet, Copenhagen University Hospital
Classification: Uncertain significance. Last evaluated: 2025-03-04. Review status: criteria provided, single submitter. Criteria: ACMG Guidelines, 2015. Collection method: clinical testing. Allele origin: germline.

Ambry Genetics
Classification: Uncertain significance for Hereditary cancer-predisposing syndrome. Last evaluated: 2023-03-31. Review status: criteria provided, single submitter. Criteria: Ambry Variant Classification Scheme 2023. Collection method: clinical testing. Allele origin: germline.
Comment: The p.N560S variant (also known as c.1679A>G), located in coding exon 9 of the BRCA2 gene, results from an A to G substitution at nucleotide position 1679. The asparagine at codon 560 is replaced by serine, an amino acid with highly similar properties. This amino acid position is conserved. In addition, this alteration is predicted to be tolerated by in silico analysis. Since supporting evidence is limited at this time, the clinical significance of this alteration remains unclear.

Labcorp Genetics (formerly Invitae), Labcorp
Classification: Uncertain significance for Hereditary breast ovarian cancer syndrome. Last evaluated: 2023-01-17. Review status: criteria provided, single submitter. Criteria: Invitae Variant Classification Sherloc (09022015). Collection method: clinical testing. Allele origin: germline.
Comment: Advanced modeling of protein sequence and biophysical properties (such as structural, functional, and spatial information, amino acid conservation, physicochemical variation, residue mobility, and thermodynamic stability) performed at Invitae indicates that this missense variant is not expected to disrupt BRCA2 protein function. This sequence change replaces asparagine, which is neutral and polar, with serine, which is neutral and polar, at codon 560 of the BRCA2 protein (p.Asn560Ser). This variant is not present in population databases (gnomAD no frequency). This variant has not been reported in the literature in individuals affected with BRCA2-related conditions. In summary, the available evidence is currently insufficient to determine the role of this variant in disease. Therefore, it has been classified as a Variant of Uncertain Significance.